The following is an entry in ClinVar:

ClinVar aggregate classification (germline): Uncertain significance (1 of 4 stars; one submission).

Submission:

GeneDx
Classification: Uncertain significance. Last evaluated: 2022-10-31. Review status: criteria provided, single submitter. Criteria: GeneDx Variant Classification Process June 2021. Collection method: clinical testing. Allele origin: germline. Affected: yes.
Comment: Not observed at significant frequency in large population cohorts (gnomAD); In silico analysis supports that this missense variant has a deleterious effect on protein structure/function; Has not been previously published as pathogenic or benign to our knowledge; Although located in a calcium-binding EGF-like domain of the FBN2 gene, it does not substitute or introduce a cysteine residue (Callewaert et al., 2009; Frederic et al., 2009); This variant is associated with the following publications: (PMID: 18767143, 19006240)

NM_001999.4(FBN2):c.7448A>T (p.Asp2483Val)

Gene: FBN2 (fibrillin 2; minus strand). Cytogenetic location: 5q23.3.
Variant type: single nucleotide variant.
Coding change: c.7448A>T on transcript NM_001999.4 (MANE Select); coding-DNA position 7448, A replaced by T.
Protein change: p.Asp2483Val; replaces aspartic acid 2483 with valine.
Molecular consequence: missense variant.
Genome position (GRCh38, 1-based): chr5:128,277,903, T>A on the plus strand (A>T on the coding strand, the complement: FBN2 is on the minus strand). VCF-style: chr5-128277903-T-A. GRCh37 (hg19) VCF-style: chr5-127613595-T-A.
Other names: short protein forms D2483V.
Identifiers: ClinVar variation 2500360 (VCV002500360.1), dbSNP rs2479649099, ClinGen allele CA360754289.
Genomic context (GRCh38, chr5:128,277,903, plus strand): 5'-CCCCCAAACCCCTGGATATAGAGGTGCCCATCGTTACCTATACAAGAGGTTCCACTGATG[T>A]CTGTGGTGTAGCCAACCTTGCAGAAGCATCGGAATGAGCCCATGGTATTGATGCACTGAC-3'
Protein context (NP_001990.2, residues 2473-2493): RCFCKVGYTT[Asp2483Val]ISGTSCIDLD